The following is an entry in ClinVar:

ClinVar aggregate classification (germline): Uncertain significance (1 of 4 stars; one submission).

Submission:

GeneDx
Classification: Uncertain significance. Last evaluated: 2026-02-04. Review status: criteria provided, single submitter. Criteria: GeneDx Variant Classification Process June 2021. Collection method: clinical testing. Allele origin: germline.
Comment: Not observed at significant frequency in large population cohorts (gnomAD); In silico analysis supports that this missense variant has a deleterious effect on protein structure/function; Has not been previously published as pathogenic or benign to our knowledge

NM_001363066.2(CLDN5):c.311G>C (p.Cys104Ser)

Gene: CLDN5 (claudin 5; minus strand). Cytogenetic location: 22q11.21.
Variant type: single nucleotide variant.
Coding change: c.311G>C on transcript NM_001363066.2 (MANE Select); coding-DNA position 311, G replaced by C.
Protein change: p.Cys104Ser; replaces cysteine 104 with serine.
Molecular consequence: missense variant.
Genome position (GRCh38, 1-based): chr22:19,523,945, C>G on the plus strand (G>C on the coding strand, the complement: CLDN5 is on the minus strand). VCF-style: chr22-19523945-C-G. GRCh37 (hg19) VCF-style: chr22-19511468-C-G.
Other names: c.566G>C, p.Cys189Ser (NM_001130861.1, NM_001363067.2, NM_003277.4); short protein forms C189S, C104S.
Identifiers: ClinVar variation 4088088 (VCV004088088.2).